The following is an entry in ClinVar:

ClinVar aggregate classification (germline): Uncertain significance. Review status: criteria provided, multiple submitters, no conflicts (2 of 4 stars). 3 submissions from 3 submitters: Uncertain significance (3). Last evaluated 2025-08-20.

Conditions:
Hereditary nonpolyposis colorectal neoplasms. Identifiers: MedGen C0009405, MeSH D003123.
Lynch syndrome 4 (LYNCH4). Also called: Colorectal cancer, hereditary nonpolyposis, type 4; Hereditary non-polyposis colorectal cancer, type 4. Identifiers: Orphanet 144, MedGen C1838333, MONDO:0013699, OMIM 614337. Disease mechanism: loss of function.
Hereditary cancer-predisposing syndrome. Also called: Neoplastic Syndromes, Hereditary; Tumor predisposition; Hereditary Cancer Syndrome; Hereditary neoplastic syndrome. Identifiers: Orphanet 140162, MedGen C0027672, MeSH D009386, MONDO:0015356.

Submissions (3):

Labcorp Genetics (formerly Invitae), Labcorp
Classification: Uncertain significance for Hereditary nonpolyposis colorectal neoplasms. Last evaluated: 2025-08-20. Review status: criteria provided, single submitter. Criteria: Invitae Variant Classification Sherloc (09022015). Collection method: clinical testing. Allele origin: germline.
Comment: This sequence change replaces aspartic acid, which is acidic and polar, with glycine, which is neutral and non-polar, at codon 298 of the PMS2 protein (p.Asp298Gly). This variant is not present in population databases (gnomAD no frequency). This variant has not been reported in the literature in individuals affected with PMS2-related conditions. ClinVar contains an entry for this variant (Variation ID: 231118). Invitae Evidence Modeling incorporating data from in vitro experimental studies (internal data) indicates that this missense variant is not expected to disrupt PMS2 function with a negative predictive value of 95%. In summary, the available evidence is currently insufficient to determine the role of this variant in disease. Therefore, it has been classified as a Variant of Uncertain Significance.

Ambry Genetics
Classification: Uncertain significance for Hereditary cancer-predisposing syndrome. Last evaluated: 2025-04-08. Review status: criteria provided, single submitter. Criteria: Ambry Variant Classification Scheme 2023. Collection method: clinical testing. Allele origin: germline.
Comment: The p.D298G variant (also known as c.893A>G), located in coding exon 8 of the PMS2 gene, results from an A to G substitution at nucleotide position 893. The aspartic acid at codon 298 is replaced by glycine, an amino acid with similar properties. This amino acid position is highly conserved in available vertebrate species. In addition, this alteration is predicted to be deleterious by in silico analysis. Based on the available evidence, the clinical significance of this variant remains unclear.

Illumina Laboratory Services, Illumina
Classification: Uncertain significance for Lynch syndrome 4. Last evaluated: 2018-01-12. Review status: criteria provided, single submitter. Criteria: ICSL Variant Classification Criteria 13 December 2019. Collection method: clinical testing. Allele origin: germline.

NM_000535.7(PMS2):c.893A>G (p.Asp298Gly)

Gene: PMS2 (PMS1 homolog 2, mismatch repair system component; minus strand). Cytogenetic location: 7p22.1.
Variant type: single nucleotide variant.
Coding change: c.893A>G on transcript NM_000535.7 (MANE Select); coding-DNA position 893, A replaced by G.
Protein change: p.Asp298Gly; replaces aspartic acid 298 with glycine.
Molecular consequence: missense variant. On other transcripts: 5 prime UTR variant (2), non-coding transcript variant (1).
Genome position (GRCh38, 1-based): chr7:5,995,544, T>C on the plus strand (A>G on the coding strand, the complement: PMS2 is on the minus strand). VCF-style: chr7-5995544-T-C. GRCh37 (hg19) VCF-style: chr7-6035175-T-C.
Other names: c.488A>G, p.Asp163Gly (NM_001322003.2, NM_001322004.2, NM_001322005.2 and 2 more transcripts); c.893A>G, p.Asp298Gly (NM_001322006.2, NM_001322014.2); c.575A>G, p.Asp192Gly (NM_001322007.2, NM_001322008.2); c.-41A>G (NM_001322011.2, NM_001322012.2); c.320A>G, p.Asp107Gly (NM_001322013.2); c.584A>G, p.Asp195Gly (NM_001322015.2); short protein forms D298G, D195G, D107G, D163G, D192G.
Identifiers: ClinVar variation 231118 (VCV000231118.17), dbSNP rs876658970, ClinGen allele CA10578690.